The following is an entry in ClinVar:

NM_006151.3(LPO):c.164+10AC[22]

Gene: LPO (lactoperoxidase; plus strand). Cytogenetic location: 17q22.
Variant type: Microsatellite.
Coding change: c.164+10AC[22] on transcript NM_006151.3 (MANE Select); 22 copies in a row of the 2-base unit AC starting at c.164+10; the reference has 21 copies in a row; one copy, 2 bases duplicated.
Molecular consequence: intron variant.
Genome position (GRCh38, 1-based): chr17:58,244,131-58,244,132, AC duplicated; duplicating any 2 consecutive bases within chr17:58,244,091-58,244,132 gives the same sequence; the position shown is the placement nearest the transcript's 3' end. VCF-style (leftmost placement, unchanged base first): chr17-58244090-G-GAC. GRCh37 (hg19) VCF-style: chr17-56321451-G-GAC.
Other names: c.76+1036AC[22] (NM_001160102.2).
Identifiers: ClinVar variation 403046 (VCV000403046.4), dbSNP rs67390833, ClinGen allele CA8669762.

ClinVar aggregate classification (germline): Benign (1 of 4 stars; one submission).

Submission:

Laboratory for Molecular Medicine, Mass General Brigham Personalized Medicine
Classification: Benign. Last evaluated: 2016-03-29. Review status: criteria provided, single submitter. Criteria: LMM Criteria. Collection method: clinical testing. Allele origin: germline.
Comment: Variant identified in a genome or exome case(s) and assessed due to predicted null impact of the variant or pathogenic assertions in the literature or databases. Disclaimer: This variant has not undergone full assessment. The following are preliminary notes: Frequency